The following is an entry in ClinVar:

ClinVar aggregate classification (germline): Uncertain significance (1 of 4 stars; one submission).

gnomAD v4.1: 5 of 1,607,148 alleles (0.00031%); highest among the groups gnomAD compares: African/African-American, 0.0027%; no homozygotes.

Submission:

GeneDx
Classification: Uncertain significance. Last evaluated: 2024-08-16. Review status: criteria provided, single submitter. Criteria: GeneDx Variant Classification Process June 2021. Collection method: clinical testing. Allele origin: germline. Affected: yes.
Comment: Not observed at significant frequency in large population cohorts (gnomAD); In silico analysis supports that this missense variant has a deleterious effect on protein structure/function; Has not been previously published as pathogenic or benign to our knowledge

NM_001698.3(AUH):c.587T>C (p.Ile196Thr)

Gene: AUH (AU RNA binding methylglutaconyl-CoA hydratase; minus strand). Cytogenetic location: 9q22.31.
Variant type: single nucleotide variant.
Coding change: c.587T>C on transcript NM_001698.3 (MANE Select); coding-DNA position 587, T replaced by C.
Protein change: p.Ile196Thr; replaces isoleucine 196 with threonine.
Molecular consequence: missense variant.
Genome position (GRCh38, 1-based): chr9:91,297,995, A>G on the plus strand (T>C on the coding strand, the complement: AUH is on the minus strand). VCF-style: chr9-91297995-A-G. GRCh37 (hg19) VCF-style: chr9-94060277-A-G.
Other names: c.500T>C, p.Ile167Thr (NM_001306190.2); c.260T>C, p.Ile87Thr (NM_001351431.2, NM_001351432.2, NM_001351433.2); short protein forms I196T, I87T, I167T.
Identifiers: ClinVar variation 3731136 (VCV003731136.1).